The following is an entry in ClinVar:

ClinVar aggregate classification (germline): Uncertain significance (1 of 4 stars; one submission).

Allele frequency attached by ClinVar (database versions not stated): gnomAD exomes below 0.00001; gnomAD 0.00001; TOPMed 0.00002.
gnomAD v4.1: 8 of 1,613,898 alleles (0.0005%); highest among the groups gnomAD compares: African/African-American, 0.0027%; no homozygotes.

Submission:

Labcorp Genetics (formerly Invitae), Labcorp
Classification: Uncertain significance. Last evaluated: 2024-01-07. Review status: criteria provided, single submitter. Criteria: Invitae Variant Classification Sherloc (09022015). Collection method: clinical testing. Allele origin: germline.
Comment: This sequence change replaces histidine, which is basic and polar, with arginine, which is basic and polar, at codon 253 of the NR3C2 protein (p.His253Arg). This variant is not present in population databases (gnomAD no frequency). This variant has not been reported in the literature in individuals affected with NR3C2-related conditions. Advanced modeling of protein sequence and biophysical properties (such as structural, functional, and spatial information, amino acid conservation, physicochemical variation, residue mobility, and thermodynamic stability) performed at Invitae indicates that this missense variant is not expected to disrupt NR3C2 protein function with a negative predictive value of 80%. In summary, the available evidence is currently insufficient to determine the role of this variant in disease. Therefore, it has been classified as a Variant of Uncertain Significance.

NM_000901.5(NR3C2):c.758A>G (p.His253Arg)

Gene: NR3C2 (nuclear receptor subfamily 3 group C member 2; minus strand). Cytogenetic location: 4q31.23.
Variant type: single nucleotide variant.
Coding change: c.758A>G on transcript NM_000901.5 (MANE Select); coding-DNA position 758, A replaced by G.
Protein change: p.His253Arg; replaces histidine 253 with arginine.
Molecular consequence: missense variant. On other transcripts: non-coding transcript variant (1).
Genome position (GRCh38, 1-based): chr4:148,436,103, T>C on the plus strand (A>G on the coding strand, the complement: NR3C2 is on the minus strand). VCF-style: chr4-148436103-T-C. GRCh37 (hg19) VCF-style: chr4-149357255-T-C.
Other names: c.758A>G, p.His253Arg (NM_001166104.2, NM_001354819.1); short protein forms H253R.
Identifiers: ClinVar variation 2998833 (VCV002998833.3), dbSNP rs1364162260, ClinGen allele CA358248213.